The following is an entry in ClinVar:

NM_000275.3(OCA2):c.271_272delinsTT (p.Asp91Phe)

Gene: OCA2 (OCA2 melanosomal transmembrane protein; minus strand). Cytogenetic location: 15q13.1.
Variant type: Indel.
Coding change: c.271_272delinsTT on transcript NM_000275.3 (MANE Select); coding-DNA positions 271 to 272, GA replaced by TT.
Protein change: p.Asp91Phe; replaces aspartic acid 91 with phenylalanine.
Molecular consequence: missense variant.
Genome position (GRCh38, 1-based): chr15:28,032,119-28,032,120, TC replaced by AA on the plus strand (GA replaced by TT on the coding strand, the reverse complement: OCA2 is on the minus strand). VCF-style: chr15-28032119-TC-AA. GRCh37 (hg19) VCF-style: chr15-28277265-TC-AA.
Other names: c.271_272delinsTT, p.Asp91Phe (NM_001300984.2); short protein forms D91F.
Identifiers: ClinVar variation 1519196 (VCV001519196.3), dbSNP rs2141380377, ClinGen allele CA2573150578.
Genomic context (GRCh38, chr15:28,032,119, plus strand): 5'-TCTCACCCTTTCTCCTGTAAGGAATTCCTCAGCAAAGGAGTGTTTTCTGTAAAGCAGGAA[TC>AA]TTTAGACCTGGAGCTGGACATCTGGGGCAAAGAAGAGTGAGACCTGAAAGAGACAGGGTA-3'
Protein context (NP_000266.2, residues 81-101): LPQMSSSRSK[Asp91Phe]SCFTENTPLL

ClinVar aggregate classification (germline): Uncertain significance (1 of 4 stars; one submission).

Submission:

Labcorp Genetics (formerly Invitae), Labcorp
Classification: Uncertain significance. Last evaluated: 2022-03-02. Review status: criteria provided, single submitter. Criteria: Invitae Variant Classification Sherloc (09022015). Collection method: clinical testing. Allele origin: germline.
Comment: This sequence change replaces aspartic acid, which is acidic and polar, with phenylalanine, which is neutral and non-polar, at codon 91 of the OCA2 protein (p.Asp91Phe). This variant is present in population databases (no rsID available, gnomAD 0.04%). This variant has not been reported in the literature in individuals affected with OCA2-related conditions. Algorithms developed to predict the effect of missense changes on protein structure and function are either unavailable or do not agree on the potential impact of this missense change (SIFT: "Not Available"; PolyPhen-2: "Possibly Damaging"; Align-GVGD: "Not Available"). In summary, the available evidence is currently insufficient to determine the role of this variant in disease. Therefore, it has been classified as a Variant of Uncertain Significance.